The following is an entry in ClinVar:

NM_004168.4(SDHA):c.1430C>A (p.Pro477His)

Gene: SDHA (succinate dehydrogenase complex flavoprotein subunit A; plus strand). Cytogenetic location: 5p15.33.
Variant type: single nucleotide variant.
Coding change: c.1430C>A on transcript NM_004168.4 (MANE Select); coding-DNA position 1430, C replaced by A.
Protein change: p.Pro477His; replaces proline 477 with histidine.
Molecular consequence: missense variant.
Genome position (GRCh38, 1-based): chr5:236,597, C>A. VCF-style: chr5-236597-C-A. GRCh37 (hg19) VCF-style: chr5-236712-C-A.
Other names: c.1286C>A, p.Pro429His (NM_001294332.2); c.1430C>A, p.Pro477His (NM_001330758.2); short protein forms P477H, P429H.
Identifiers: ClinVar variation 539654 (VCV000539654.9), dbSNP rs146990772, ClinGen allele CA359014138.

ClinVar aggregate classification (germline): Uncertain significance (1 of 4 stars; one submission).

Conditions:
Mitochondrial complex II deficiency, nuclear type 1. Also called: SUCCINATE CoQ REDUCTASE DEFICIENCY. Identifiers: Orphanet 3208, MedGen C5700310, MONDO:0100294, OMIM 252011.
Pheochromocytoma/paraganglioma syndrome 5. Also called: Paragangliomas 5; SDHA-Related Hereditary Paraganglioma-Pheochromocytoma Syndrome. Identifiers: Orphanet 29072, MedGen C3279992, MONDO:0013602, OMIM 614165.

Submission:

Labcorp Genetics (formerly Invitae), Labcorp
Classification: Uncertain significance for Pheochromocytoma/paraganglioma syndrome 5; Mitochondrial complex II deficiency, nuclear type 1. Last evaluated: 2025-12-09. Review status: criteria provided, single submitter. Criteria: Invitae Variant Classification Sherloc (09022015). Collection method: clinical testing. Allele origin: germline.
Comment: This sequence change replaces proline, which is neutral and non-polar, with histidine, which is basic and polar, at codon 477 of the SDHA protein (p.Pro477His). This variant is not present in population databases (gnomAD no frequency). This variant has not been reported in the literature in individuals affected with SDHA-related conditions. ClinVar contains an entry for this variant (Variation ID: 539654). An algorithm developed to predict the effect of missense changes on protein structure and function (PolyPhen-2) suggests that this variant is likely to be disruptive. In summary, the available evidence is currently insufficient to determine the role of this variant in disease. Therefore, it has been classified as a Variant of Uncertain Significance.